The following is an entry in ClinVar:

ClinVar aggregate classification (germline): Uncertain significance (1 of 4 stars; one submission).

Submission:

Labcorp Genetics (formerly Invitae), Labcorp
Classification: Uncertain significance. Last evaluated: 2024-02-06. Review status: criteria provided, single submitter. Criteria: Invitae Variant Classification Sherloc (09022015). Collection method: clinical testing. Allele origin: germline.
Comment: This sequence change replaces serine, which is neutral and polar, with arginine, which is basic and polar, at codon 197 of the RELB protein (p.Ser197Arg). This variant is not present in population databases (gnomAD no frequency). This variant has not been reported in the literature in individuals affected with RELB-related conditions. An algorithm developed to predict the effect of missense changes on protein structure and function (PolyPhen-2) suggests that this variant is likely to be disruptive. Algorithms developed to predict the effect of sequence changes on RNA splicing suggest that this variant may create or strengthen a splice site. In summary, the available evidence is currently insufficient to determine the role of this variant in disease. Therefore, it has been classified as a Variant of Uncertain Significance.

NM_006509.4(RELB):c.591C>G (p.Ser197Arg)

Gene: RELB (RELB proto-oncogene, NF-kB subunit; plus strand). Cytogenetic location: 19q13.32.
Variant type: single nucleotide variant.
Coding change: c.591C>G on transcript NM_006509.4 (MANE Select); coding-DNA position 591, C replaced by G.
Protein change: p.Ser197Arg; replaces serine 197 with arginine.
Molecular consequence: missense variant.
Genome position (GRCh38, 1-based): chr19:45,022,139, C>G. VCF-style: chr19-45022139-C-G. GRCh37 (hg19) VCF-style: chr19-45525397-C-G.
Other names: c.582C>G, p.Ser194Arg (NM_001411087.1); short protein forms S197R, S194R.
Identifiers: ClinVar variation 3639342 (VCV003639342.2).